The following is an entry in ClinVar:

ClinVar aggregate classification (germline): Likely benign. Review status: criteria provided, single submitter (1 of 4 stars). 2 submissions from 2 submitters: Likely benign (1). 1 of the submissions does not count toward it. Last evaluated 2019-02-20.

Conditions:
ALMS1-related disorder. Also called: ALMS1-related condition.
Alstrom syndrome (ALMS). Identifiers: Orphanet 64, MedGen C0268425, MONDO:0008763, OMIM 203800.

Submissions (2):

Labcorp Genetics (formerly Invitae), Labcorp
Classification: Likely benign for Alstrom syndrome. Last evaluated: 2019-02-20. Review status: criteria provided, single submitter. Criteria: Invitae Variant Classification Sherloc (09022015). Collection method: clinical testing. Allele origin: germline.

PreventionGenetics, part of Exact Sciences
Classification: Likely benign for ALMS1-related condition. Last evaluated: 2021-01-15. Review status: no assertion criteria provided. Collection method: clinical testing. Allele origin: germline. Not counted in ClinVar's aggregate classification.
Comment: This variant is classified as likely benign based on ACMG/AMP sequence variant interpretation guidelines (Richards et al. 2015 PMID: 25741868, with internal and published modifications).

NM_001378454.1(ALMS1):c.807A>G (p.Arg269=)

Gene: ALMS1 (ALMS1 centrosome and basal body associated protein; plus strand). Cytogenetic location: 2p13.1.
Variant type: single nucleotide variant.
Coding change: c.807A>G on transcript NM_001378454.1 (MANE Select); coding-DNA position 807, A replaced by G.
Protein change: p.Arg269=; no amino-acid change (arginine 269 retained).
Molecular consequence: synonymous variant.
Genome position (GRCh38, 1-based): chr2:73,424,472, A>G. VCF-style: chr2-73424472-A-G. GRCh37 (hg19) VCF-style: chr2-73651600-A-G.
Other names: c.810A>G, p.Arg270= (NM_015120.4).
Identifiers: ClinVar variation 1095062 (VCV001095062.10), dbSNP rs2103714566, ClinGen allele CA427018415.